The following is an entry in ClinVar:

NM_002541.4(OGDH):c.3052G>A (p.Val1018Ile)

Gene: OGDH (oxoglutarate dehydrogenase; plus strand). Cytogenetic location: 7p13.
Variant type: single nucleotide variant.
Coding change: c.3052G>A on transcript NM_002541.4 (MANE Select); coding-DNA position 3052, G replaced by A.
Protein change: p.Val1018Ile; replaces valine 1018 with isoleucine.
Molecular consequence: missense variant.
Genome position (GRCh38, 1-based): chr7:44,707,979, G>A. VCF-style: chr7-44707979-G-A. GRCh37 (hg19) VCF-style: chr7-44747578-G-A.
Other names: c.3085G>A (NM_001363523.1); c.3040G>A, p.Val1014Ile (NM_001165036.2); c.3085G>A, p.Val1029Ile (NM_001363523.2); short protein forms V1018I, V1014I, V1029I.
Identifiers: ClinVar variation 559275 (VCV000559275.14), dbSNP rs2070607, ClinGen allele CA4244291.

ClinVar aggregate classification (germline): Benign. Review status: criteria provided, single submitter (1 of 4 stars). 3 submissions from 3 submitters: Benign (1). 2 of the submissions do not count toward it. Last evaluated 2026-02-02.

Conditions:
OGDH-related disorder. Also called: OGDH-related condition.
Oxoglutaricaciduria. Identifiers: Orphanet 31, MedGen C2752074, MONDO:0008759, OMIM 203740.

Allele frequency attached by ClinVar (database versions not stated): gnomAD 0.03912 and 0.04116; TOPMed 0.04073; ESP Exome Variant Server 0.04229; 1000 Genomes Project 30x 0.04763; 1000 Genomes Project 0.04772; gnomAD exomes 0.04867 and 0.05258; ExAC 0.05333.
gnomAD v4.1: 77,875 of 1,613,212 alleles (4.8%); highest among the groups gnomAD compares: Middle Eastern, 9.6%; 2,144 homozygotes.

Submissions (3):

Labcorp Genetics (formerly Invitae), Labcorp
Classification: Benign for Oxoglutaricaciduria. Last evaluated: 2026-02-02. Review status: criteria provided, single submitter. Criteria: Invitae Variant Classification Sherloc (09022015). Collection method: clinical testing. Allele origin: germline.

PreventionGenetics, part of Exact Sciences
Classification: Benign for OGDH-related condition. Last evaluated: 2019-12-12. Review status: no assertion criteria provided. Collection method: clinical testing. Allele origin: germline. Not counted in ClinVar's aggregate classification.
Comment: This variant is classified as benign based on ACMG/AMP sequence variant interpretation guidelines (Richards et al. 2015 PMID: 25741868, with internal and published modifications).

Mayo Clinic Laboratories, Mayo Clinic
Classification: Benign. Last evaluated: 2016-02-22. Review status: no assertion criteria provided. Collection method: clinical testing. Allele origin: unknown. Not counted in ClinVar's aggregate classification.